The following is an entry in ClinVar:

NM_000400.4(ERCC2):c.845G>T (p.Arg282Leu)

Gene: ERCC2 (ERCC excision repair 2, TFIIH core complex helicase subunit; minus strand). Cytogenetic location: 19q13.32.
Variant type: single nucleotide variant.
Coding change: c.845G>T on transcript NM_000400.4 (MANE Select); coding-DNA position 845, G replaced by T.
Protein change: p.Arg282Leu; replaces arginine 282 with leucine.
Molecular consequence: missense variant.
Genome position (GRCh38, 1-based): chr19:45,364,090, C>A on the plus strand (G>T on the coding strand, the complement: ERCC2 is on the minus strand). VCF-style: chr19-45364090-C-A. GRCh37 (hg19) VCF-style: chr19-45867348-C-A.
Other names: c.773G>T, p.Arg258Leu (NM_001130867.2); short protein forms R258L, R282L.
Identifiers: ClinVar variation 1763459 (VCV001763459.2), dbSNP rs948547865, ClinGen allele CA406373737.

ClinVar aggregate classification (germline): Uncertain significance (1 of 4 stars; one submission).

Conditions:
Inborn genetic diseases. Identifiers: MedGen C0950123, MeSH D030342.

Submission:

Ambry Genetics
Classification: Uncertain significance for Inborn genetic diseases. Last evaluated: 2021-10-26. Review status: criteria provided, single submitter. Criteria: Ambry Variant Classification Scheme 2023. Collection method: clinical testing. Allele origin: germline.
Comment: The p.R282L variant (also known as c.845G>T), located in coding exon 10 of the ERCC2 gene, results from a G to T substitution at nucleotide position 845. The arginine at codon 282 is replaced by leucine, an amino acid with dissimilar properties. This amino acid position is conserved. In addition, the in silico prediction for this alteration is inconclusive. Since supporting evidence is limited at this time, the clinical significance of this alteration remains unclear.